The following is an entry in ClinVar:

NM_001201427.2(DAAM2):c.3183G>C (p.Arg1061=)

Gene: DAAM2 (dishevelled associated activator of morphogenesis 2; plus strand). Cytogenetic location: 6p21.2.
Variant type: single nucleotide variant.
Coding change: c.3183G>C on transcript NM_001201427.2 (MANE Select); coding-DNA position 3183, G replaced by C.
Protein change: p.Arg1061=; no amino-acid change (arginine 1061 retained).
Molecular consequence: synonymous variant.
Genome position (GRCh38, 1-based): chr6:39,902,013, G>C. VCF-style: chr6-39902013-G-C. GRCh37 (hg19) VCF-style: chr6-39869789-G-C.
Other names: c.3180G>C, p.Arg1060= (NM_015345.4).
Identifiers: ClinVar variation 4977973 (VCV004977973.1).
Genomic context (GRCh38, chr6:39,902,013, plus strand): 5'-CAAGCTCAAGCGCAGCCGCAAGCGATCAGGGAGCCAGGCCCTGGAAGTTACCCGGGAGCG[G>C]GCAATAAACCGGCTAAATTATTGACCTGGGGAACTAGCCACACAGGAGGCCGGGAGACAG-3'
Protein context (NP_001188356.1, residues 1051-1068): GSQALEVTRE[Arg1061=]AINRLNY

ClinVar aggregate classification (germline): Likely benign (1 of 4 stars; one submission).

Conditions:
DAAM2-related disorder. Also called: DAAM2-related condition.

Submission:

PreventionGenetics, part of Exact Sciences
Classification: Likely benign for DAAM2-related condition. Last evaluated: 2024-12-13. Review status: criteria provided, single submitter. Criteria: ACMG Guidelines, 2015. Collection method: clinical testing. Allele origin: germline.
Comment: This variant is classified as likely benign based on ACMG/AMP sequence variant interpretation guidelines (Richards et al. 2015 PMID: 25741868, with internal and published modifications).